The following is an entry in ClinVar:

ClinVar aggregate classification (germline): Likely benign. Review status: criteria provided, multiple submitters, no conflicts (2 of 4 stars). 3 submissions from 3 submitters: Likely benign (3). Last evaluated 2024-03-27.

Conditions:
Hereditary cancer-predisposing syndrome. Also called: Hereditary Cancer Syndrome; Hereditary neoplastic syndrome; Neoplastic Syndromes, Hereditary; Tumor predisposition. Identifiers: Orphanet 140162, MedGen C0027672, MeSH D009386, MONDO:0015356.

Allele frequency attached by ClinVar (database versions not stated): gnomAD exomes below 0.00001; TOPMed 0.00001.
gnomAD v4.1: 2 of 1,613,344 alleles (0.00012%); highest among the groups gnomAD compares: Non-Finnish European, 0.00017%; no homozygotes.

Submissions (3):

Labcorp Genetics (formerly Invitae), Labcorp
Classification: Likely benign. Last evaluated: 2024-03-27. Review status: criteria provided, single submitter. Criteria: Invitae Variant Classification Sherloc (09022015). Collection method: clinical testing. Allele origin: germline.

Ambry Genetics
Classification: Likely benign for Hereditary cancer-predisposing syndrome. Last evaluated: 2022-04-09. Review status: criteria provided, single submitter. Criteria: Ambry Variant Classification Scheme 2023. Collection method: clinical testing. Allele origin: germline.

GeneDx
Classification: Likely benign. Last evaluated: 2016-07-06. Review status: criteria provided, single submitter. Criteria: GeneDx Variant Classification (06012015). Collection method: clinical testing. Allele origin: germline. Affected: yes.
Comment: This variant is considered likely benign or benign based on one or more of the following criteria: it is a conservative change, it occurs at a poorly conserved position in the protein, it is predicted to be benign by multiple in silico algorithms, and/or has population frequency not consistent with disease.

NM_006231.4(POLE):c.333T>C (p.Gly111=)

Gene: POLE (DNA polymerase epsilon, catalytic subunit; minus strand). Cytogenetic location: 12q24.33.
Variant type: single nucleotide variant.
Coding change: c.333T>C on transcript NM_006231.4 (MANE Select); coding-DNA position 333, T replaced by C.
Protein change: p.Gly111=; no amino-acid change (glycine 111 retained).
Molecular consequence: synonymous variant.
Genome position (GRCh38, 1-based): chr12:132,680,044, A>G on the plus strand (T>C on the coding strand, the complement: POLE is on the minus strand). VCF-style: chr12-132680044-A-G. GRCh37 (hg19) VCF-style: chr12-133256630-A-G.
Identifiers: ClinVar variation 387620 (VCV000387620.11), dbSNP rs933506354, ClinGen allele CA16606556.